The following is an entry in ClinVar:

ClinVar aggregate classification (germline): Uncertain significance. Review status: criteria provided, multiple submitters, no conflicts (2 of 4 stars). 3 submissions from 3 submitters: Uncertain significance (3). Last evaluated 2026-08-01.

Conditions:
Inborn genetic diseases. Identifiers: MedGen C0950123, MeSH D030342.

Allele frequency attached by ClinVar (database versions not stated): TOPMed below 0.00001; gnomAD 0.00001; gnomAD exomes 0.00001.
gnomAD v4.1: 13 of 1,613,904 alleles (0.00081%); highest among the groups gnomAD compares: Non-Finnish European, 0.0011%; no homozygotes.

Submissions (3):

CeGaT Center for Human Genetics Tuebingen
Classification: Uncertain significance. Last evaluated: 2026-08-01. Review status: criteria provided, single submitter. Criteria: CeGaT Center For Human Genetics Tuebingen Variant Classification Criteria Version 2. Collection method: clinical testing. Allele origin: germline. Affected: yes. Observed: 1 variant allele.
Comment: MCM3AP: PM2, BP4

Ambry Genetics
Classification: Uncertain significance for Inborn genetic diseases. Last evaluated: 2023-01-17. Review status: criteria provided, single submitter. Criteria: Ambry Variant Classification Scheme 2023. Collection method: clinical testing. Allele origin: germline.

Labcorp Genetics (formerly Invitae), Labcorp
Classification: Uncertain significance. Last evaluated: 2021-09-29. Review status: criteria provided, single submitter. Criteria: Invitae Variant Classification Sherloc (09022015). Collection method: clinical testing. Allele origin: germline.
Comment: This sequence change replaces proline with serine at codon 1064 of the MCM3AP protein (p.Pro1064Ser). The proline residue is highly conserved and there is a moderate physicochemical difference between proline and serine. This variant is not present in population databases (ExAC no frequency). This variant has not been reported in the literature in individuals affected with MCM3AP-related conditions. Algorithms developed to predict the effect of missense changes on protein structure and function output the following: SIFT: "Deleterious"; PolyPhen-2: "Benign"; Align-GVGD: "Class C65". The serine amino acid residue is found in multiple mammalian species, which suggests that this missense change does not adversely affect protein function. In summary, the available evidence is currently insufficient to determine the role of this variant in disease. Therefore, it has been classified as a Variant of Uncertain Significance.

NM_003906.5(MCM3AP):c.3190C>T (p.Pro1064Ser)

Gene: MCM3AP (minichromosome maintenance complex component 3 associated protein; minus strand). Cytogenetic location: 21q22.3.
Variant type: single nucleotide variant.
Coding change: c.3190C>T on transcript NM_003906.5 (MANE Select); coding-DNA position 3190, C replaced by T.
Protein change: p.Pro1064Ser; replaces proline 1064 with serine.
Molecular consequence: missense variant.
Genome position (GRCh38, 1-based): chr21:46,265,365, G>A on the plus strand (C>T on the coding strand, the complement: MCM3AP is on the minus strand). VCF-style: chr21-46265365-G-A. GRCh37 (hg19) VCF-style: chr21-47685279-G-A.
Other names: c.3190C>T (NM_003906.3); short protein forms P1064S.
Identifiers: ClinVar variation 1469453 (VCV001469453.7), dbSNP rs1264867068, ClinGen allele CA410559517.
Genomic context (GRCh38, chr21:46,265,365, plus strand): 5'-AAAAAAGAGTCCCTACCTCGTCAGAGTACATGGGCACGGGCTCTGGAGGCGGTGGTTCAG[G>A]CTGCACAGACAGCTGGAAGAGGCTGGGCGCCACAGACGGGGTCAGTGCCAGGACAGGAGG-3'
Protein context (NP_003897.2, residues 1054-1074): APSLFQLSVQ[Pro1064Ser]EPPPPEPVPM